The following is an entry in ClinVar:

ClinVar aggregate classification (germline): Uncertain significance (1 of 4 stars; one submission).

Conditions:
Myofibrillar myopathy 4. Also called: Zaspopathy (type). Identifiers: Orphanet 98912, MedGen C4721886, MONDO:0012277, OMIM 609452.

Submission:

Labcorp Genetics (formerly Invitae), Labcorp
Classification: Uncertain significance for Myofibrillar myopathy 4. Last evaluated: 2025-10-03. Review status: criteria provided, single submitter. Criteria: Invitae Variant Classification Sherloc (09022015). Collection method: clinical testing. Allele origin: germline.
Comment: This sequence change replaces methionine, which is neutral and non-polar, with arginine, which is basic and polar, at codon 167 of the LDB3 protein (p.Met167Arg). This variant is present in population databases (no rsID available, gnomAD 0.008%). This variant has not been reported in the literature in individuals affected with LDB3-related conditions. An algorithm developed to predict the effect of missense changes on protein structure and function (PolyPhen-2) suggests that this variant is likely to be tolerated. In summary, the available evidence is currently insufficient to determine the role of this variant in disease. Therefore, it has been classified as a Variant of Uncertain Significance.

NM_001368067.1(LDB3):c.500T>G (p.Met167Arg)

Genes: LDB3 (LIM domain binding 3; plus strand), LOC110121486 (VISTA enhancer hs2143; plus strand). Cytogenetic location: 10q23.2.
Variant type: single nucleotide variant.
Coding change: c.500T>G on transcript NM_001368067.1 (MANE Plus Clinical); coding-DNA position 500, T replaced by G.
Protein change: p.Met167Arg; replaces methionine 167 with arginine.
Molecular consequence: missense variant. On other transcripts: intron variant (5).
Genome position (GRCh38, 1-based): chr10:86,687,224, T>G. VCF-style: chr10-86687224-T-G. GRCh37 (hg19) VCF-style: chr10-88446981-T-G.
Other names: c.500T>G, p.Met167Arg (NM_001080114.2, NM_001080116.1, NM_001368066.1 and 1 more transcripts); c.845T>G, p.Met282Arg (NM_001171610.2, NM_001171611.2); c.690-4672T>G (NM_001368064.1, NM_001368063.1, NM_007078.3 and 2 more transcripts); short protein forms M167R, M282R.
Identifiers: ClinVar variation 4761864 (VCV004761864.1).